The following is an entry in ClinVar:

NM_002427.4(MMP13):c.539G>C (p.Gly180Ala)

Gene: MMP13 (matrix metallopeptidase 13; minus strand). Cytogenetic location: 11q22.2.
Variant type: single nucleotide variant.
Coding change: c.539G>C on transcript NM_002427.4 (MANE Select); coding-DNA position 539, G replaced by C.
Protein change: p.Gly180Ala; replaces glycine 180 with alanine.
Molecular consequence: missense variant.
Genome position (GRCh38, 1-based): chr11:102,954,254, C>G on the plus strand (G>C on the coding strand, the complement: MMP13 is on the minus strand). VCF-style: chr11-102954254-C-G. GRCh37 (hg19) VCF-style: chr11-102824983-C-G.
Other names: short protein forms G180A.
Identifiers: ClinVar variation 1037126 (VCV001037126.7), dbSNP rs764647902, ClinGen allele CA6251953.

ClinVar aggregate classification (germline): Conflicting classifications of pathogenicity. Review status: criteria provided, conflicting classifications (1 of 4 stars). 2 submissions from 2 submitters: Pathogenic (1); Uncertain significance (1). Last evaluated 2024-07-01.

Allele frequency attached by ClinVar (database versions not stated): gnomAD exomes below 0.00001 and 0.00002; TOPMed below 0.00001; gnomAD 0.00001 and 0.00002; ExAC 0.00002.
gnomAD v4.1: 10 of 1,613,370 alleles (0.00062%); highest among the groups gnomAD compares: East Asian, 0.011%; no homozygotes.

Submissions (2):

Labcorp Genetics (formerly Invitae), Labcorp
Classification: Pathogenic. Last evaluated: 2024-07-01. Review status: criteria provided, single submitter. Criteria: Invitae Variant Classification Sherloc (09022015). Collection method: clinical testing. Allele origin: germline.
Comment: This sequence change replaces glycine, which is neutral and non-polar, with alanine, which is neutral and non-polar, at codon 180 of the MMP13 protein (p.Gly180Ala). This variant is present in population databases (rs764647902, gnomAD 0.03%). This missense change has been observed in individual(s) with clinical features of autosomal recessive metaphyseal dysplasia (Invitae). In at least one individual the data is consistent with being in trans (on the opposite chromosome) from a pathogenic variant. It has also been observed to segregate with disease in related individuals. ClinVar contains an entry for this variant (Variation ID: 1037126). Advanced modeling of protein sequence and biophysical properties (such as structural, functional, and spatial information, amino acid conservation, physicochemical variation, residue mobility, and thermodynamic stability) performed at Invitae indicates that this missense variant is expected to disrupt MMP13 protein function with a positive predictive value of 80%. For these reasons, this variant has been classified as Pathogenic.

Blueprint Genetics
Classification: Uncertain significance. Last evaluated: 2022-05-20. Review status: criteria provided, single submitter. Criteria: ACMG Guidelines, 2015. Collection method: clinical testing. Allele origin: germline.